The following is an entry in ClinVar:

NM_000060.4:c.1072del

Variant type: Deletion.
Other names: c.1072del (NM_000060.4).
Identifiers: ClinVar variation 4815928 (VCV004815928.1).

ClinVar aggregate classification (germline): Likely pathogenic (1 of 4 stars; one submission).

Conditions:
Biotinidase deficiency. Also called: BTD deficiency; Late-onset biotin-responsive multiple carboxylase deficiency; Biotin deficiency. Identifiers: Orphanet 79241, MedGen C0220754, MONDO:0009665, OMIM 253260.

Submission:

Natera, Inc.
Classification: Likely pathogenic for Biotinidase deficiency. Last evaluated: 2025-10-10. Review status: criteria provided, single submitter. Criteria: Natera Variant Classification Schema (03/2026). Collection method: clinical testing. Allele origin: germline.
Comment: The c.1072del variant in BTD is a frameshift variant predicted to shift the reading frame beginning at codon 358 and leads to a stop codon 5 codons downstream. This variant is expected to result in nonsense mediated decay, truncation, or a dysfunctional protein product. This variant is rare in the general population with a frequency below the threshold expected for the associated phenotype(s). Given the available evidence, this variant is classified as Likely Pathogenic.